The following is an entry in ClinVar:

ClinVar aggregate classification (germline): Uncertain significance (1 of 4 stars; one submission).

Conditions:
Inborn genetic diseases. Identifiers: MedGen C0950123, MeSH D030342.

Submission:

Ambry Genetics
Classification: Uncertain significance for Inborn genetic diseases. Last evaluated: 2026-02-16. Review status: criteria provided, single submitter. Criteria: Ambry Variant Classification Scheme 2023. Collection method: clinical testing. Allele origin: germline.
Comment: The p.M1515T variant (also known as c.4544T>C), located in coding exon 13 of the ASXL1 gene, results from a T to C substitution at nucleotide position 4544. The methionine at codon 1515 is replaced by threonine, an amino acid with similar properties. This amino acid position is conserved. In addition, the in silico prediction for this alteration is inconclusive. Based on the available evidence, the clinical significance of this variant remains unclear.

NM_015338.6(ASXL1):c.4544T>C (p.Met1515Thr)

Gene: ASXL1 (ASXL transcriptional regulator 1; plus strand). Cytogenetic location: 20q11.21.
Variant type: single nucleotide variant.
Coding change: c.4544T>C on transcript NM_015338.6 (MANE Select); coding-DNA position 4544, T replaced by C.
Protein change: p.Met1515Thr; replaces methionine 1515 with threonine.
Molecular consequence: missense variant.
Genome position (GRCh38, 1-based): chr20:32,437,256, T>C. VCF-style: chr20-32437256-T-C. GRCh37 (hg19) VCF-style: chr20-31025059-T-C.
Other names: c.4361T>C, p.Met1454Thr (NM_001363734.1); short protein forms M1515T, M1454T.
Identifiers: ClinVar variation 4825232 (VCV004825232.1).
Genomic context (GRCh38, chr20:32,437,256, plus strand): 5'-ACAGCAGCACGGTGGAAAGCATCTCGCTCCAGTGTGCGTGCAGCCTGAAAGCCATGATCA[T>C]GTGCCAAGGCTGCGGTGCGTTCTGTCACGATGACTGTATTGGACCCTCAAAGCTCTGTGT-3'
Protein context (NP_056153.2, residues 1505-1525): QCACSLKAMI[Met1515Thr]CQGCGAFCHD